The following is an entry in ClinVar:

NM_000540.3(RYR1):c.5608G>A (p.Val1870Ile)

Gene: RYR1 (ryanodine receptor 1; plus strand). Cytogenetic location: 19q13.2.
Variant type: single nucleotide variant.
Coding change: c.5608G>A on transcript NM_000540.3 (MANE Select); coding-DNA position 5608, G replaced by A.
Protein change: p.Val1870Ile; replaces valine 1870 with isoleucine.
Molecular consequence: missense variant.
Genome position (GRCh38, 1-based): chr19:38,489,237, G>A. VCF-style: chr19-38489237-G-A. GRCh37 (hg19) VCF-style: chr19-38979877-G-A.
Other names: c.5608G>A, p.Val1870Ile (NM_001042723.2); short protein forms V1870I.
Identifiers: ClinVar variation 590560 (VCV000590560.3), dbSNP rs1027874000, ClinGen allele CA405657866.

ClinVar aggregate classification (germline): Uncertain significance. Review status: criteria provided, multiple submitters, no conflicts (2 of 4 stars). 2 submissions from 2 submitters: Uncertain significance (2). Last evaluated 2023-10-06.

Conditions:
Malignant hyperthermia, susceptibility to, 1 (MHS1). Also called: Anesthesia related hyperthermia; Malignant hyperpyrexia; Fulminating hyperpyrexia; Pharmacogenic myopathy; RYR1-Related Malignant Hyperthermia Susceptibility; Malignant hyperthermia suceptibility 1. Identifiers: Orphanet 423, MedGen C2930980, MONDO:0007783, OMIM 145600.

Submissions (2):

All of Us Research Program, National Institutes of Health
Classification: Uncertain significance for Malignant hyperthermia, susceptibility to, 1. Last evaluated: 2023-10-06. Review status: criteria provided, single submitter. Criteria: ACMG Guidelines, 2015. Collection method: clinical testing. Allele origin: germline. Inheritance: Autosomal dominant inheritance. Observed: 1 variant allele, 1 heterozygote.
Comment: This missense variant replaces valine with isoleucine at codon 1870 of the RYR1 protein. Computational prediction suggests that this variant may not impact protein structure and function (internally defined REVEL score threshold <= 0.5, PMID: 27666373). To our knowledge, functional studies have not been reported for this variant. This variant has not been reported in individuals affected with RYR1-related disorders in the literature. This variant has not been identified in the general population by the Genome Aggregation Database (gnomAD). The available evidence is insufficient to determine the role of this variant in disease conclusively. Therefore, this variant is classified as a Variant of Uncertain Significance.

This study involves interpretation of variants in research participants for the purpose of population health screening. Participant phenotype was not available at the time of variant classification. Additional details can be found in publication PMID: 35346344, PMCID: PMC8962531

PreventionGenetics, part of Exact Sciences
Classification: Uncertain significance. Last evaluated: 2013-10-23. Review status: criteria provided, single submitter. Criteria: ACMG Guidelines, 2015. Collection method: clinical testing. Allele origin: germline.